The following is an entry in ClinVar:

NM_002465.4(MYBPC1):c.1026A>G (p.Thr342=)

Genes: MYBPC1 (myosin binding protein C1; plus strand), LOC105369937 (uncharacterized LOC105369937; minus strand). Cytogenetic location: 12q23.2.
Variant type: single nucleotide variant.
Coding change: c.1026A>G on transcript NM_002465.4 (MANE Select); coding-DNA position 1026, A replaced by G.
Protein change: p.Thr342=; no amino-acid change (threonine 342 retained).
Molecular consequence: synonymous variant. On other transcripts: non-coding transcript variant (1).
Genome position (GRCh38, 1-based): chr12:101,646,823, A>G. VCF-style: chr12-101646823-A-G. GRCh37 (hg19) VCF-style: chr12-102040601-A-G.
Other names: c.951A>G, p.Thr317= (NM_206820.4, NM_206821.4, NM_001254718.3 and 1 more transcripts); c.915A>G, p.Thr305= (NM_001254720.3); c.894A>G, p.Thr298= (NM_001254721.3, NM_001404676.1, NM_001404678.1); c.873A>G, p.Thr291= (NM_001254722.3, NM_001404680.1); c.912A>G, p.Thr304= (NM_001254723.3); c.1026A>G, p.Thr342= (NM_001404675.1, NM_206819.4); c.816A>G, p.Thr272= (NM_001404677.1, NM_001404679.1, NM_001404681.1).
Identifiers: ClinVar variation 2643238 (VCV002643238.24), dbSNP rs2547595276, ClinGen allele CA481322271.

ClinVar aggregate classification (germline): Likely benign (1 of 4 stars; one submission).

Allele frequency attached by ClinVar (database versions not stated): gnomAD exomes below 0.00001.
gnomAD v4.1: 1 of 1,613,692 alleles (0.000062%); highest among the groups gnomAD compares: Non-Finnish European, 0.000085%; no homozygotes.

Submission:

CeGaT Center for Human Genetics Tuebingen
Classification: Likely benign. Last evaluated: 2022-09-01. Review status: criteria provided, single submitter. Criteria: CeGaT Center For Human Genetics Tuebingen Variant Classification Criteria Version 2. Collection method: clinical testing. Allele origin: germline. Affected: yes. Observed: 1 variant allele.
Comment: MYBPC1: PM2:Supporting, BP4, BP7